The following is an entry in ClinVar:

ClinVar aggregate classification (germline): Uncertain significance (1 of 4 stars; one submission).

Conditions:
Lethal multiple pterygium syndrome (LMPS). Identifiers: Orphanet 33108, MedGen C1854678, MONDO:0009668, OMIM 253290.

Allele frequency attached by ClinVar (database versions not stated): gnomAD exomes below 0.00001.

Submission:

Labcorp Genetics (formerly Invitae), Labcorp
Classification: Uncertain significance for Lethal multiple pterygium syndrome. Last evaluated: 2022-11-16. Review status: criteria provided, single submitter. Criteria: Invitae Variant Classification Sherloc (09022015). Collection method: clinical testing. Allele origin: germline.
Comment: This variant has not been reported in the literature in individuals affected with CHRNA1-related conditions. This variant is not present in population databases (gnomAD no frequency). This sequence change replaces threonine, which is neutral and polar, with isoleucine, which is neutral and non-polar, at codon 52 of the CHRNA1 protein (p.Thr52Ile). In summary, the available evidence is currently insufficient to determine the role of this variant in disease. Therefore, it has been classified as a Variant of Uncertain Significance. Advanced modeling of protein sequence and biophysical properties (such as structural, functional, and spatial information, amino acid conservation, physicochemical variation, residue mobility, and thermodynamic stability) performed at Invitae indicates that this missense variant is not expected to disrupt CHRNA1 protein function.

NM_000079.4(CHRNA1):c.155C>T (p.Thr52Ile)

Gene: CHRNA1 (cholinergic receptor nicotinic alpha 1 subunit; minus strand). Cytogenetic location: 2q31.1.
Variant type: single nucleotide variant.
Coding change: c.155C>T on transcript NM_000079.4 (MANE Select); coding-DNA position 155, C replaced by T.
Protein change: p.Thr52Ile; replaces threonine 52 with isoleucine.
Molecular consequence: missense variant.
Genome position (GRCh38, 1-based): chr2:174,759,522, G>A on the plus strand (C>T on the coding strand, the complement: CHRNA1 is on the minus strand). VCF-style: chr2-174759522-G-A. GRCh37 (hg19) VCF-style: chr2-175624250-G-A.
Other names: c.155C>T, p.Thr52Ile (NM_001039523.3); short protein forms T52I.
Identifiers: ClinVar variation 2814679 (VCV002814679.3), dbSNP rs2468902779, ClinGen allele CA349344346.